The following is an entry in ClinVar:

ClinVar aggregate classification (germline): Conflicting classifications of pathogenicity. Review status: criteria provided, conflicting classifications (1 of 4 stars). 7 submissions from 7 submitters: Uncertain significance (4); Likely benign (2). 1 of the submissions does not count toward it. Last evaluated 2025-08-18.

Conditions:
Autosomal recessive limb-girdle muscular dystrophy type 2A (LGMDR1). Also called: Muscular dystrophy, limb-girdle, type 2A, Amish; LEYDEN-MOEBIUS MUSCULAR DYSTROPHY; Limb-girdle muscular dystrophy, type 2A; Calpainopathy; MUSCULAR DYSTROPHY, PELVOFEMORAL. Identifiers: Orphanet 267, MedGen C1869123, MONDO:0009675, OMIM 253600. Disease mechanism: loss of function.

Allele frequency attached by ClinVar (database versions not stated): gnomAD exomes 0.00001 and 0.00002; gnomAD 0.00004; TOPMed 0.00006; ESP Exome Variant Server 0.00008.
gnomAD v4.1: 38 of 1,614,048 alleles (0.0024%); highest among the groups gnomAD compares: Middle Eastern, 0.033%; no homozygotes.

Submissions (7):

Labcorp Genetics (formerly Invitae), Labcorp
Classification: Likely benign for Autosomal recessive limb-girdle muscular dystrophy type 2A. Last evaluated: 2025-08-18. Review status: criteria provided, single submitter. Criteria: Invitae Variant Classification Sherloc (09022015). Collection method: clinical testing. Allele origin: germline.

CeGaT Center for Human Genetics Tuebingen
Classification: Likely benign. Last evaluated: 2025-04-01. Review status: criteria provided, single submitter. Criteria: CeGaT Center For Human Genetics Tuebingen Variant Classification Criteria Version 2. Collection method: clinical testing. Allele origin: germline. Affected: yes. Observed: 1 variant allele.
Comment: CAPN3: BP4, BP7

Baylor Genetics
Classification: Uncertain significance for Autosomal recessive limb-girdle muscular dystrophy type 2A. Last evaluated: 2019-08-08. Review status: criteria provided, single submitter. Criteria: ACMG Guidelines, 2015. Collection method: clinical testing. Allele origin: unknown. Affected: yes.
Comment: This variant was determined to be of uncertain significance according to ACMG Guidelines, 2015 [PMID:25741868].

Illumina Laboratory Services, Illumina
Classification: Uncertain significance for Limb-girdle muscular dystrophy, type 2A. Last evaluated: 2018-01-12. Review status: criteria provided, single submitter. Criteria: ICSL Variant Classification Criteria 13 December 2019. Collection method: clinical testing. Allele origin: germline.

Eurofins Ntd Llc (ga)
Classification: Uncertain significance. Last evaluated: 2017-04-20. Review status: criteria provided, single submitter. Criteria: EGL Classification Definitions 2015. Collection method: clinical testing. Allele origin: germline. Observed: 2 variant alleles, 2 heterozygotes.

Genetic Services Laboratory, University of Chicago
Classification: Uncertain significance. Last evaluated: 2015-05-26. Review status: criteria provided, single submitter. Criteria: ACMG Guidelines, 2015. Collection method: clinical testing. Allele origin: germline.

Natera, Inc.
Classification: Likely benign for Limb-girdle muscular dystrophy type 2A. Last evaluated: 2021-08-18. Review status: no assertion criteria provided. Collection method: clinical testing. Allele origin: germline. Not counted in ClinVar's aggregate classification.

NM_000070.3(CAPN3):c.1557C>T (p.His519=)

Gene: CAPN3 (calpain 3; plus strand). Cytogenetic location: 15q15.1.
Variant type: single nucleotide variant.
Coding change: c.1557C>T on transcript NM_000070.3 (MANE Select); coding-DNA position 1557, C replaced by T.
Protein change: p.His519=; no amino-acid change (histidine 519 retained).
Molecular consequence: synonymous variant.
Genome position (GRCh38, 1-based): chr15:42,402,814, C>T. VCF-style: chr15-42402814-C-T. GRCh37 (hg19) VCF-style: chr15-42695012-C-T.
Other names: c.1557C>T, p.His519= (NM_024344.2); c.1413C>T, p.His471= (NM_173087.2); c.21C>T, p.His7= (NM_173088.2).
Identifiers: ClinVar variation 210561 (VCV000210561.35), dbSNP rs368385372, ClinGen allele CA205369.